The following is an entry in ClinVar:

NM_001288705.3(CSF1R):c.2006G>A (p.Gly669Asp)

Gene: CSF1R (colony stimulating factor 1 receptor; minus strand). Cytogenetic location: 5q32.
Variant type: single nucleotide variant.
Coding change: c.2006G>A on transcript NM_001288705.3 (MANE Select); coding-DNA position 2006, G replaced by A.
Protein change: p.Gly669Asp; replaces glycine 669 with aspartic acid.
Molecular consequence: missense variant.
Genome position (GRCh38, 1-based): chr5:150,059,826, C>T on the plus strand (G>A on the coding strand, the complement: CSF1R is on the minus strand). VCF-style: chr5-150059826-C-T. GRCh37 (hg19) VCF-style: chr5-149439389-C-T.
Other names: c.2006G>A, p.Gly669Asp (NM_001349736.2, NM_001375320.1, NM_005211.4); c.1562G>A, p.Gly521Asp (NM_001375321.1); short protein forms G669D, G521D.
Identifiers: ClinVar variation 2812426 (VCV002812426.3), dbSNP rs2480967825, ClinGen allele CA361762235.

ClinVar aggregate classification (germline): Uncertain significance (1 of 4 stars; one submission).

Submission:

Labcorp Genetics (formerly Invitae), Labcorp
Classification: Uncertain significance. Last evaluated: 2022-11-06. Review status: criteria provided, single submitter. Criteria: Invitae Variant Classification Sherloc (09022015). Collection method: clinical testing. Allele origin: germline.
Comment: This missense change has been observed in individual(s) with clinical features of hereditary diffuse leukoencephalopathy with spheroids (Invitae). In summary, the available evidence is currently insufficient to determine the role of this variant in disease. Therefore, it has been classified as a Variant of Uncertain Significance. Algorithms developed to predict the effect of missense changes on protein structure and function (SIFT, PolyPhen-2, Align-GVGD) all suggest that this variant is likely to be disruptive. This variant is not present in population databases (gnomAD no frequency). This sequence change replaces glycine, which is neutral and non-polar, with aspartic acid, which is acidic and polar, at codon 669 of the CSF1R protein (p.Gly669Asp).